The following is an entry in ClinVar:

NM_199352.6(SLC22A25):c.350dup (p.Asp118fs)

Gene: SLC22A25 (solute carrier family 22 member 25; minus strand). Cytogenetic location: 11q12.3.
Variant type: Duplication.
Coding change: c.350dup on transcript NM_199352.6 (MANE Select); coding-DNA position 350, one base duplicated (T; older notation c.350dupT).
Protein change: p.Asp118fs; shifts the reading frame from aspartic acid 118.
Molecular consequence: frameshift variant.
Genome position (GRCh38, 1-based): chr11:63,229,303, A duplicated on the plus strand (T on the coding strand, the reverse complement: SLC22A25 is on the minus strand). VCF-style (leftmost placement, unchanged base first): chr11-63229302-C-CA. GRCh37 (hg19) VCF-style: chr11-62996774-C-CA.
Other names: c.350dup, p.Asp118fs (NM_001394058.1, NM_001394059.1); short protein forms D118fs.
Identifiers: ClinVar variation 3037649 (VCV003037649.2), dbSNP rs112260121, ClinGen allele CA6060871.
Genomic context (GRCh38, chr11:63,229,302, plus strand): 5'-GCCTCTTACCTTAGTCACAATGGTGGAAGGGAAGGAGCTTTGGTCATATACCCAGCCATC[C>CA]ACACAGGGCTCTGTATCTGGCTCACTCGTGTTGGGGAAGGTCCCATTCAGATGAATGAGC-3'

ClinVar aggregate classification (germline): Likely benign (0 of 4 stars; one submission).

Conditions:
SLC22A25-related disorder. Also called: SLC22A25-related condition.

Allele frequency attached by ClinVar (database versions not stated): gnomAD exomes 0.00099; ExAC 0.00281; gnomAD 0.00784; 1000 Genomes Project 0.00839; 1000 Genomes Project 30x 0.00843; TOPMed 0.00862; ESP Exome Variant Server 0.00863.

Submission:

PreventionGenetics, part of Exact Sciences
Classification: Likely benign for SLC22A25-related condition. Last evaluated: 2020-01-06. Review status: no assertion criteria provided. Collection method: clinical testing. Allele origin: germline.
Comment: This variant is classified as likely benign based on ACMG/AMP sequence variant interpretation guidelines (Richards et al. 2015 PMID: 25741868, with internal and published modifications).